The following is an entry in ClinVar:

NM_198271.5(LMOD3):c.116T>C (p.Met39Thr)

Genes: LMOD3 (leiomodin 3; minus strand), LOC126806710 (CDK7 strongly-dependent group 2 enhancer GRCh37_chr3:69170601-69171800; plus strand). Cytogenetic location: 3p14.1.
Variant type: single nucleotide variant.
Coding change: c.116T>C on transcript NM_198271.5 (MANE Select); coding-DNA position 116, T replaced by C.
Protein change: p.Met39Thr; replaces methionine 39 with threonine.
Molecular consequence: missense variant.
Genome position (GRCh38, 1-based): chr3:69,122,271, A>G on the plus strand (T>C on the coding strand, the complement: LMOD3 is on the minus strand). VCF-style: chr3-69122271-A-G. GRCh37 (hg19) VCF-style: chr3-69171422-A-G.
Other names: c.116T>C, p.Met39Thr (NM_001304418.3); short protein forms M39T.
Identifiers: ClinVar variation 2076082 (VCV002076082.4), dbSNP rs767973981, ClinGen allele CA2489076.
Genomic context (GRCh38, chr3:69,122,271, plus strand): 5'-TCAGTTTGATCTTTCTGAATCATTCCCACGGGAAGGCTGGGGTCAGGGGCCATGACTTCC[A>G]TTTCCGACTGCAGTTCTTTCAGTTCTTCAGCAGACAAGTTGGCCAAGATTTCATCTTCAT-3'
Protein context (NP_938012.2, residues 29-49): AEELKELQSE[Met39Thr]EVMAPDPSLP

ClinVar aggregate classification (germline): Uncertain significance (1 of 4 stars; one submission).

Conditions:
Nemaline myopathy 10 (NEM10). Identifiers: MedGen C4015360, MONDO:0014513, OMIM 616165.

Allele frequency attached by ClinVar (database versions not stated): TOPMed below 0.00001; gnomAD exomes below 0.00001; ExAC 0.00001; gnomAD 0.00001.

Submission:

Labcorp Genetics (formerly Invitae), Labcorp
Classification: Uncertain significance for Nemaline myopathy 10. Last evaluated: 2022-03-01. Review status: criteria provided, single submitter. Criteria: Invitae Variant Classification Sherloc (09022015). Collection method: clinical testing. Allele origin: germline.
Comment: In summary, the available evidence is currently insufficient to determine the role of this variant in disease. Therefore, it has been classified as a Variant of Uncertain Significance. Algorithms developed to predict the effect of missense changes on protein structure and function are either unavailable or do not agree on the potential impact of this missense change (SIFT: "Deleterious"; PolyPhen-2: "Possibly Damaging"; Align-GVGD: "Class C0"). This variant has not been reported in the literature in individuals affected with LMOD3-related conditions. This variant is present in population databases (rs767973981, gnomAD 0.0009%). This sequence change replaces methionine, which is neutral and non-polar, with threonine, which is neutral and polar, at codon 39 of the LMOD3 protein (p.Met39Thr).